The following is an entry in ClinVar:

ClinVar aggregate classification (germline): Uncertain significance (1 of 4 stars; one submission).

Submission:

Labcorp Genetics (formerly Invitae), Labcorp
Classification: Uncertain significance. Last evaluated: 2025-04-13. Review status: criteria provided, single submitter. Criteria: Invitae Variant Classification Sherloc (09022015). Collection method: clinical testing. Allele origin: germline.
Comment: This sequence change falls in intron 3 of the ABCA4 gene. It does not directly change the encoded amino acid sequence of the ABCA4 protein. It affects a nucleotide within the consensus splice site. This variant is not present in population databases (gnomAD no frequency). This variant has not been reported in the literature in individuals affected with ABCA4-related conditions. Variants that disrupt the consensus splice site are a relatively common cause of aberrant splicing (PMID: 17576681, 9536098). Algorithms developed to predict the effect of sequence changes on RNA splicing suggest that this variant may disrupt the consensus splice site. In summary, the available evidence is currently insufficient to determine the role of this variant in disease. Therefore, it has been classified as a Variant of Uncertain Significance.

Literature cited by the submitters: PubMed 17576681; PubMed 9536098.

NM_000350.3(ABCA4):c.302+6T>A

Gene: ABCA4 (ATP binding cassette subfamily A member 4; minus strand). Cytogenetic location: 1p22.1.
Variant type: single nucleotide variant.
Coding change: c.302+6T>A on transcript NM_000350.3 (MANE Select); 6 bases into the intron after coding-DNA position 302, T replaced by A.
Molecular consequence: intron variant.
Genome position (GRCh38, 1-based): chr1:94,111,432, A>T on the plus strand (T>A on the coding strand, the complement: ABCA4 is on the minus strand). VCF-style: chr1-94111432-A-T. GRCh37 (hg19) VCF-style: chr1-94576988-A-T.
Other names: c.302+6T>A (NM_001425324.1).
Identifiers: ClinVar variation 4805016 (VCV004805016.1).
Genomic context (GRCh38, chr1:94,111,432, plus strand): 5'-GTGCATTTCAGCACGTGAAGGGGTGTGCAACTTCCTCCCCTGCATGGTAGGGATCTCAAC[A>T]CTTACATGGAGTTGTTATAGTTTGACACAATTCCAGGAGATTCTCCTGGGGTGGGGCTTT-3'